The following is an entry in ClinVar:

ClinVar aggregate classification (germline): Uncertain significance (1 of 4 stars; one submission).

Submission:

Labcorp Genetics (formerly Invitae), Labcorp
Classification: Uncertain significance. Last evaluated: 2025-02-27. Review status: criteria provided, single submitter. Criteria: Invitae Variant Classification Sherloc (09022015). Collection method: clinical testing. Allele origin: germline.
Comment: This sequence change replaces proline, which is neutral and non-polar, with threonine, which is neutral and polar, at codon 192 of the NEUROD1 protein (p.Pro192Thr). This variant is not present in population databases (gnomAD no frequency). This variant has not been reported in the literature in individuals affected with NEUROD1-related conditions. Invitae Evidence Modeling of protein sequence and biophysical properties (such as structural, functional, and spatial information, amino acid conservation, physicochemical variation, residue mobility, and thermodynamic stability) indicates that this missense variant is not expected to disrupt NEUROD1 protein function with a negative predictive value of 80%. In summary, the available evidence is currently insufficient to determine the role of this variant in disease. Therefore, it has been classified as a Variant of Uncertain Significance.

NM_002500.5(NEUROD1):c.574C>A (p.Pro192Thr)

Gene: NEUROD1 (neuronal differentiation 1; minus strand). Cytogenetic location: 2q31.3.
Variant type: single nucleotide variant.
Coding change: c.574C>A on transcript NM_002500.5 (MANE Select); coding-DNA position 574, C replaced by A.
Protein change: p.Pro192Thr; replaces proline 192 with threonine.
Molecular consequence: missense variant.
Genome position (GRCh38, 1-based): chr2:181,678,287, G>T on the plus strand (C>A on the coding strand, the complement: NEUROD1 is on the minus strand). VCF-style: chr2-181678287-G-T. GRCh37 (hg19) VCF-style: chr2-182543014-G-T.
Other names: short protein forms P192T.
Identifiers: ClinVar variation 4803795 (VCV004803795.1).